The following is an entry in ClinVar:

ClinVar aggregate classification (germline): Likely benign (1 of 4 stars; one submission).

Allele frequency attached by ClinVar (database versions not stated): 1000 Genomes Project 30x 0.00031; 1000 Genomes Project 0.00040; TOPMed 0.00096; ExAC 0.00100; gnomAD exomes 0.00118; gnomAD 0.00120; ESP Exome Variant Server 0.00121.
gnomAD v4.1: 1,903 of 1,614,160 alleles (0.12%); highest among the groups gnomAD compares: Middle Eastern, 0.2%; 5 homozygotes.

Submission:

CeGaT Center for Human Genetics Tuebingen
Classification: Likely benign. Last evaluated: 2025-10-01. Review status: criteria provided, single submitter. Criteria: CeGaT Center For Human Genetics Tuebingen Variant Classification Criteria Version 2. Collection method: clinical testing. Allele origin: germline. Affected: yes. Observed: 5 variant alleles.
Comment: CNP: BP4, BP7

NM_033133.5(CNP):c.378C>T (p.His126=)

Gene: CNP (2',3'-cyclic nucleotide 3' phosphodiesterase; plus strand). Cytogenetic location: 17q21.2.
Variant type: single nucleotide variant.
Coding change: c.378C>T on transcript NM_033133.5 (MANE Select); coding-DNA position 378, C replaced by T.
Protein change: p.His126=; no amino-acid change (histidine 126 retained).
Molecular consequence: synonymous variant.
Genome position (GRCh38, 1-based): chr17:41,968,442, C>T. VCF-style: chr17-41968442-C-T. GRCh37 (hg19) VCF-style: chr17-40120460-C-T.
Other names: c.318C>T, p.His106= (NM_001330216.2).
Identifiers: ClinVar variation 2647778 (VCV002647778.24), dbSNP rs112899212, ClinGen allele CA8569489.
Genomic context (GRCh38, chr17:41,968,442, plus strand): 5'-CCTGGCTGCCTACTGCCGCCGCCGGGACATCAGAATTCTTGTGCTTGATGACACCAACCA[C>T]GAACGGGAACGGCTGGAGCAGCTCTTTGAAATGGCCGACCAGTACCAGTACCAGGTGGTG-3'
Protein context (NP_149124.3, residues 116-136): IRILVLDDTN[His126=]ERERLEQLFE